The following is an entry in ClinVar:

ClinVar aggregate classification (germline): Uncertain significance (1 of 4 stars; one submission).

Submission:

Labcorp Genetics (formerly Invitae), Labcorp
Classification: Uncertain significance. Last evaluated: 2024-10-29. Review status: criteria provided, single submitter. Criteria: Invitae Variant Classification Sherloc (09022015). Collection method: clinical testing. Allele origin: germline.
Comment: This sequence change replaces glycine, which is neutral and non-polar, with arginine, which is basic and polar, at codon 664 of the COL11A1 protein (p.Gly664Arg). This variant is not present in population databases (gnomAD no frequency). This variant has not been reported in the literature in individuals affected with COL11A1-related conditions. Invitae Evidence Modeling of protein sequence and biophysical properties (such as structural, functional, and spatial information, amino acid conservation, physicochemical variation, residue mobility, and thermodynamic stability) indicates that this missense variant is expected to disrupt COL11A1 protein function with a positive predictive value of 80%. In summary, the available evidence is currently insufficient to determine the role of this variant in disease. Therefore, it has been classified as a Variant of Uncertain Significance.

NM_001854.4(COL11A1):c.1990G>A (p.Gly664Arg)

Gene: COL11A1 (collagen type XI alpha 1 chain; minus strand). Cytogenetic location: 1p21.1.
Variant type: single nucleotide variant.
Coding change: c.1990G>A on transcript NM_001854.4 (MANE Select); coding-DNA position 1990, G replaced by A.
Protein change: p.Gly664Arg; replaces glycine 664 with arginine.
Molecular consequence: missense variant. On other transcripts: non-coding transcript variant (1).
Genome position (GRCh38, 1-based): chr1:103,003,223, C>T on the plus strand (G>A on the coding strand, the complement: COL11A1 is on the minus strand). VCF-style: chr1-103003223-C-T. GRCh37 (hg19) VCF-style: chr1-103468779-C-T.
Other names: c.1873G>A, p.Gly625Arg (NM_001190709.2); c.2026G>A, p.Gly676Arg (NM_080629.3); c.1642G>A, p.Gly548Arg (NM_080630.4); short protein forms G625R, G548R, G664R, G676R.
Identifiers: ClinVar variation 3709685 (VCV003709685.2).
Genomic context (GRCh38, chr1:103,003,223, plus strand): 5'-GTTGGCAACAAGCTTTCCCTAGAAAATCTTCAATGTTTCCAGCAATACATACAGGCTGCC[C>T]TGGAGCTCCTGGAGTTCCCCTTGGACCCAGCAAACCTCGTGGGCCCTAGGAGAAAAAGAA-3'
Protein context (NP_001845.3, residues 654-674): LGPRGTPGAP[Gly664Arg]QPGMAGVDGP